The following is an entry in ClinVar:

NM_001365088.1(SLC12A6):c.1334-1G>A

Gene: SLC12A6 (solute carrier family 12 member 6; minus strand). Cytogenetic location: 15q14.
Variant type: single nucleotide variant.
Coding change: c.1334-1G>A on transcript NM_001365088.1 (MANE Select); the canonical splice acceptor site of the intron before coding-DNA position 1334, G replaced by A.
Molecular consequence: splice acceptor variant.
Genome position (GRCh38, 1-based): chr15:34,251,058, C>T on the plus strand (G>A on the coding strand, the complement: SLC12A6 is on the minus strand). VCF-style: chr15-34251058-C-T. GRCh37 (hg19) VCF-style: chr15-34543259-C-T.
Other names: c.1289-1G>A (NM_001042497.2); c.1334-1G>A (NM_133647.2); c.1181-1G>A (NM_005135.2); c.1157-1G>A (NM_001042495.2, NM_001042494.2); c.1307-1G>A (NM_001042496.2).
Identifiers: ClinVar variation 4855034 (VCV004855034.1).

ClinVar aggregate classification (germline): Pathogenic (1 of 4 stars; one submission).

Conditions:
Agenesis of the corpus callosum with peripheral neuropathy (ACCPN). Also called: CHARLEVOIX DISEASE; Hereditary Motor and Sensory Neuropathy with Agenesis of the Corpus Callosum; POLYNEUROPATHY, SENSORIMOTOR, WITH OR WITHOUT AGENESIS OF THE CORPUS CALLOSUM; HMSN/ACC. Identifiers: Orphanet 1496, MedGen C0795950, MONDO:0000902, OMIM 218000. Disease mechanism: loss of function.

Submission:

3billion
Classification: Pathogenic for Agenesis of the corpus callosum with peripheral neuropathy. Last evaluated: 2025-12-17. Review status: criteria provided, single submitter. Criteria: ACMG Guidelines, 2015. Collection method: clinical testing. Allele origin: germline. Affected: yes.
Comment: The variant is not observed in the gnomAD v4.1.0 dataset. Predicted Consequence/Location: Canonical splice site: predicted to alter splicing and result in a loss or disruption of normal protein function. Multiple pathogenic loss-of-function variants are reported downstream of the variant. In silico tools predict the variant to alter splicing and produce an abnormal transcript [SpliceAI: 1.00 (spliceogenicity >=0.2, non-spliceogenicity <0.1)]. Therefore, this variant is classified as Pathogenic according to the recommendation of ACMG/AMP guideline.